The following is an entry in ClinVar:

NM_000787.4(DBH):c.1453GAG[1] (p.Glu486del)

Genes: DBH (dopamine beta-hydroxylase; plus strand), DBH-AS1 (DBH antisense RNA 1; minus strand). Cytogenetic location: 9q34.2.
Variant type: Microsatellite.
Coding change: c.1453GAG[1] on transcript NM_000787.4 (MANE Select); one copy of the 3-base unit GAG starting at c.1453; the reference has two copies in a row; one copy, 3 bases deleted.
Protein change: p.Glu486del; deletes glutamic acid 486.
Genome position (GRCh38, 1-based): chr9:133,656,544-133,656,546, GAG deleted; deleting any 3 consecutive bases within chr9:133,656,540-133,656,546 gives the same sequence; the position shown is the placement nearest the transcript's 3' end. VCF-style (leftmost placement, unchanged base first): chr9-133656539-TGGA-T. GRCh37 (hg19) VCF-style: chr9-136521661-TGGA-T.
Other names: short protein forms E486del.
Identifiers: ClinVar variation 3691518 (VCV003691518.1).

ClinVar aggregate classification (germline): Uncertain significance (1 of 4 stars; one submission).

Conditions:
Orthostatic hypotension 1 (ORTHYP1). Also called: NORADRENALINE DEFICIENCY; NOREPINEPHRINE DEFICIENCY; Orthostatic hypotension 1, due to DBH deficiency; Dopamine beta-hydroxylase deficiency. Identifiers: Orphanet 230, MedGen C4746777, MONDO:0009123, OMIM 223360.

Submission:

Labcorp Genetics (formerly Invitae), Labcorp
Classification: Uncertain significance for Orthostatic hypotension 1. Last evaluated: 2024-11-02. Review status: criteria provided, single submitter. Criteria: Invitae Variant Classification Sherloc (09022015). Collection method: clinical testing. Allele origin: germline.
Comment: This variant, c.1456_1458del, results in the deletion of 1 amino acid(s) of the DBH protein (p.Glu486del), but otherwise preserves the integrity of the reading frame. This variant is not present in population databases (gnomAD no frequency). This variant has not been reported in the literature in individuals affected with DBH-related conditions. Experimental studies and prediction algorithms are not available or were not evaluated, and the functional significance of this variant is currently unknown. In summary, the available evidence is currently insufficient to determine the role of this variant in disease. Therefore, it has been classified as a Variant of Uncertain Significance.